The following is an entry in ClinVar:

NM_002303.6(LEPR):c.2958C>T (p.Tyr986=)

Gene: LEPR (leptin receptor; plus strand). Cytogenetic location: 1p31.3.
Variant type: single nucleotide variant.
Coding change: c.2958C>T on transcript NM_002303.6 (MANE Select); coding-DNA position 2958, C replaced by T.
Protein change: p.Tyr986=; no amino-acid change (tyrosine 986 retained).
Molecular consequence: synonymous variant.
Genome position (GRCh38, 1-based): chr1:65,636,475, C>T. VCF-style: chr1-65636475-C-T. GRCh37 (hg19) VCF-style: chr1-66102158-C-T.
Identifiers: ClinVar variation 775558 (VCV000775558.16), dbSNP rs1805095, ClinGen allele CA895193.

ClinVar aggregate classification (germline): Benign/Likely benign. Review status: criteria provided, multiple submitters, no conflicts (2 of 4 stars). 5 submissions from 5 submitters: Benign (2); Likely benign (3). Last evaluated 2026-01-29.

Conditions:
Obesity due to leptin receptor gene deficiency. Identifiers: Orphanet 179494, MedGen C3554225, MONDO:0013992, OMIM 614963.

Allele frequency attached by ClinVar (database versions not stated): gnomAD exomes 0.00066 and 0.00162; ExAC 0.00200; gnomAD 0.00612 and 0.00643; ESP Exome Variant Server 0.00677; TOPMed 0.00688; 1000 Genomes Project 0.00958; 1000 Genomes Project 30x 0.01046.
gnomAD v4.1: 1,927 of 1,614,032 alleles (0.12%); highest among the groups gnomAD compares: African/African-American, 2.2%; 24 homozygotes.

Submissions (5):

Labcorp Genetics (formerly Invitae), Labcorp
Classification: Benign. Last evaluated: 2026-01-29. Review status: criteria provided, single submitter. Criteria: Invitae Variant Classification Sherloc (09022015). Collection method: clinical testing. Allele origin: germline.

Women's Health and Genetics/Laboratory Corporation of America, LabCorp
Classification: Likely benign. Last evaluated: 2024-12-06. Review status: criteria provided, single submitter. Criteria: LabCorp Variant Classification Summary - May 2015. Collection method: clinical testing. Allele origin: germline.

Fulgent Genetics
Classification: Benign for Obesity due to leptin receptor gene deficiency. Last evaluated: 2022-03-08. Review status: criteria provided, single submitter. Criteria: ACMG Guidelines, 2015. Collection method: clinical testing. Allele origin: unknown.

Illumina Laboratory Services, Illumina
Classification: Likely benign for Obesity due to leptin receptor gene deficiency. Last evaluated: 2017-11-15. Review status: criteria provided, single submitter. Criteria: ICSL Variant Classification Criteria 13 December 2019. Collection method: clinical testing. Allele origin: germline.
Comment: This variant was observed as part of a predisposition screen in an ostensibly healthy population. A literature search was performed for the gene, cDNA change, and amino acid change (where applicable). Publications were found based on this search. The evidence from the literature, in combination with allele frequency data from public databases where available, was sufficient to determine this variant is unlikely to cause disease. Therefore, this variant is classified as likely benign.

Breakthrough Genomics
Classification: Likely benign. Review status: criteria provided, single submitter. Criteria: ACMG Guidelines, 2015. Collection method: not provided. Allele origin: germline. Inheritance: Autosomal recessive inheritance. Affected: yes.

Literature cited by the submitters: PubMed 18212354 (cited by Women's Health and Genetics/Laboratory Corporation of America, LabCorp and Illumina Laboratory Services, Illumina); PubMed 9175732 (cited by Women's Health and Genetics/Laboratory Corporation of America, LabCorp).